The following is an entry in ClinVar:

NM_021620.4(PRDM13):c.311G>C (p.Gly104Ala)

Gene: PRDM13 (PR/SET domain 13; plus strand). Cytogenetic location: 6q16.2.
Variant type: single nucleotide variant.
Coding change: c.311G>C on transcript NM_021620.4 (MANE Select); coding-DNA position 311, G replaced by C.
Protein change: p.Gly104Ala; replaces glycine 104 with alanine.
Molecular consequence: missense variant.
Genome position (GRCh38, 1-based): chr6:99,609,221, G>C. VCF-style: chr6-99609221-G-C. GRCh37 (hg19) VCF-style: chr6-100057097-G-C.
Other names: short protein forms G104A.
Identifiers: ClinVar variation 2009886 (VCV002009886.4), dbSNP rs2538540525, ClinGen allele CA365114067.
Genomic context (GRCh38, chr6:99,609,221, plus strand): 5'-GAACTGTTCTATTCCTTGCGTCCCAGATCTTCTACCGAGCATTGCGAGACGTCCAGCCAG[G>C]GGAGGAGCTGACAGTGTGGTATTCTAACTCCTTGGCTCAGTGGTTCGACATCCCCACCAC-3'
Protein context (NP_067633.2, residues 94-114): FYRALRDVQP[Gly104Ala]EELTVWYSNS

ClinVar aggregate classification (germline): Uncertain significance (1 of 4 stars; one submission).

Submission:

Labcorp Genetics (formerly Invitae), Labcorp
Classification: Uncertain significance. Last evaluated: 2022-08-06. Review status: criteria provided, single submitter. Criteria: Invitae Variant Classification Sherloc (09022015). Collection method: clinical testing. Allele origin: germline.
Comment: This variant has not been reported in the literature in individuals affected with PRDM13-related conditions. Algorithms developed to predict the effect of missense changes on protein structure and function are either unavailable or do not agree on the potential impact of this missense change (SIFT: "Deleterious"; PolyPhen-2: "Benign"; Align-GVGD: "Class C55"). In summary, the available evidence is currently insufficient to determine the role of this variant in disease. Therefore, it has been classified as a Variant of Uncertain Significance. This variant is not present in population databases (gnomAD no frequency). This sequence change replaces glycine, which is neutral and non-polar, with alanine, which is neutral and non-polar, at codon 104 of the PRDM13 protein (p.Gly104Ala).